The following is an entry in ClinVar:

ClinVar aggregate classification (germline): Pathogenic. Review status: reviewed by expert panel (3 of 4 stars). 2 submissions from 2 submitters: Pathogenic (1). 1 of the submissions does not count toward it. Last evaluated 2023-12-09.

Conditions:
Hereditary thrombocytopenia and hematological cancer predisposition syndrome associated with RUNX1. Also called: PLATELET DISORDER, ASPIRIN-LIKE; RUNX1 Familial Platelet Disorder with Associated Myeloid Malignancies; Familial Platelet Disorder with Propensity to Acute Myelogenous Leukemia; Familial thrombocytopenia with propensity to acute myelogenous leukemia. Identifiers: Orphanet 71290, MedGen C1832388, MeSH C563324, MONDO:0100083, OMIM 601399.
Hereditary thrombocytopenia and hematologic cancer predisposition syndrome. Identifiers: Orphanet 71290, MedGen CN281654, MONDO:0011071.

Submissions (2):

ClinGen Myeloid Malignancy Variant Curation Expert Panel
Classification: Pathogenic for Hereditary thrombocytopenia and hematologic cancer predisposition syndrome. Last evaluated: 2023-12-09. Review status: reviewed by expert panel. Criteria: ClinGen MyeloMalig ACMG Specifications v2. Collection method: curation. Allele origin: germline. Inheritance: Autosomal dominant inheritance.
Comment: The NM_001754.5(RUNX1):c.528_531dup (p.Thr178fs) variant is a frameshift variant predicted to introduce a premature stop codon, resulting in nonsense-mediated mRNA decay (PVS1). Additionally, it is located in c.528_531, which is downstream of c.98 (in transcript NM_001754.4) (PM5_Supporting). This variant is completely absent from all population databases (gnomAD v2.1.1, v3.1.2, and v4.0.0) with at least 20x coverage for RUNX1 (PM2_supporting). . In summary, this variant meets criteria to be classified as pathogenic. ACMG/AMP criteria applied, as specified by the Myeloid Malignancy Variant Curation Expert Panel for RUNX1: PVS1, PM2_supporting, PM5_supporting.

Labcorp Genetics (formerly Invitae), Labcorp
Classification: Pathogenic for Hereditary thrombocytopenia and hematological cancer predisposition syndrome associated with RUNX1. Last evaluated: 2020-03-17. Review status: criteria provided, single submitter. Criteria: Invitae Variant Classification Sherloc (09022015). Collection method: clinical testing. Allele origin: germline. Not counted in ClinVar's aggregate classification.
Comment: For these reasons, this variant has been classified as Pathogenic. Loss-of-function variants in RUNX1 are known to be pathogenic (PMID: 18723428, 24100448). This variant has not been reported in the literature in individuals with RUNX1-related conditions. This variant is not present in population databases (ExAC no frequency). This sequence change creates a premature translational stop signal (p.Thr178Hisfs*36) in the RUNX1 gene. It is expected to result in an absent or disrupted protein product.

Literature cited by the submitters: PubMed 18723428 (cited by Labcorp Genetics (formerly Invitae), Labcorp); PubMed 24100448 (cited by Labcorp Genetics (formerly Invitae), Labcorp).

NM_001754.5(RUNX1):c.528_531dup (p.Thr178fs)

Genes: RUNX1-AS1 (RUNX1 antisense RNA 1; plus strand), RUNX1 (RUNX family transcription factor 1; minus strand). Cytogenetic location: 21q22.12.
Variant type: Duplication.
Coding change: c.528_531dup on transcript NM_001754.5 (MANE Select); coding-DNA positions 528 to 531, 4 bases duplicated (CATC; older notation c.528_531dupCATC).
Protein change: p.Thr178fs; shifts the reading frame from threonine 178.
Molecular consequence: frameshift variant.
Genome position (GRCh38, 1-based): chr21:34,859,556-34,859,559, GATG duplicated on the plus strand (CATC on the coding strand, the reverse complement: RUNX1 is on the minus strand); duplicating any 4 consecutive bases within chr21:34,859,556-34,859,560 gives the same sequence; the c. name uses the placement nearest the transcript's 3' end. VCF-style (leftmost placement, unchanged base first): chr21-34859555-T-TGATG. GRCh37 (hg19) VCF-style: chr21-36231852-T-TGATG.
Other names: NM_001754.5(RUNX1):c.528_531dup; p.Thr178fs; c.447_450dup, p.Thr151fs (NM_001001890.3, NM_001122607.2); short protein forms T151fs, T178fs.
Identifiers: ClinVar variation 1074523 (VCV001074523.8), dbSNP rs2146236515, ClinGen allele CA2499225875.
Genomic context (GRCh38, chr21:34,859,555, plus strand): 5'-CCACTGTGATTTTGATGGCTCTGTGGTAGGTGGCGACTTGCGGTGGGTTTGTGAAGACAG[T>TGATG]GATGGTCAGAGTGAAGCTTTTCCCTGTGGGGACACGATAGAGAACAAAACAGAATGAGGT-3'